The following is an entry in ClinVar:

ClinVar aggregate classification (germline): Uncertain significance. Review status: criteria provided, multiple submitters, no conflicts (2 of 4 stars). 2 submissions from 2 submitters: Uncertain significance (2). Last evaluated 2025-12-01.

Conditions:
Lynch syndrome 8 (LYNCH8). Also called: Colorectal cancer, hereditary nonpolyposis, type 8. Identifiers: Orphanet 144, MedGen C2750471, MONDO:0013196, OMIM 613244.

Allele frequency attached by ClinVar (database versions not stated): gnomAD exomes below 0.00001 and 0.00001.

Submissions (2):

KCCC/NGS Laboratory, Kuwait Cancer Control Center
Classification: Uncertain significance for Lynch syndrome 8. Last evaluated: 2025-12-01. Review status: criteria provided, single submitter. Criteria: ACMG Guidelines, 2015. Collection method: clinical testing. Allele origin: germline. Inheritance: Autosomal dominant inheritance. Affected: yes.
Comment: A variant of uncertain significance was detected in EPCAM gene ( c.28G>C, NM_002354.2 ). This sequence change replaces glycine with arginine at codon 10 of the EPCAM protein (p.Gly10Arg). The glycine residue is moderately conserved and there is a moderate physicochemical difference between glycine and arginine. Algorithms developed to predict the effect of missense changes on protein structure and function do not agree on the potential impact of this missense change (SIFT: "Tolerated"; PolyPhen-2: "Probably Damaging"; Align-GVGD: "Class C0"). This variant has not been published in the literature and is not present in population databases. In summary, this is a novel missense change with uncertain impact on protein function. It has been classified as a Variant of Uncertain Significance. The diagnosis of hereditary cancer syndrome is not confirmed.

CeGaT Center for Human Genetics Tuebingen
Classification: Uncertain significance. Last evaluated: 2022-02-01. Review status: criteria provided, single submitter. Criteria: CeGaT Center For Human Genetics Tuebingen Variant Classification Criteria Version 2. Collection method: clinical testing. Allele origin: germline. Affected: yes. Observed: 1 variant allele.

NM_002354.3(EPCAM):c.28G>C (p.Gly10Arg)

Gene: EPCAM (epithelial cell adhesion molecule; plus strand). Cytogenetic location: 2p21.
Variant type: single nucleotide variant.
Coding change: c.28G>C on transcript NM_002354.3 (MANE Select); coding-DNA position 28, G replaced by C.
Protein change: p.Gly10Arg; replaces glycine 10 with arginine.
Molecular consequence: missense variant.
Genome position (GRCh38, 1-based): chr2:47,369,533, G>C. VCF-style: chr2-47369533-G-C. GRCh37 (hg19) VCF-style: chr2-47596672-G-C.
Other names: c.28G>C (NM_002354.2); short protein forms G10R.
Identifiers: ClinVar variation 1675779 (VCV001675779.34), dbSNP rs863224709, ClinGen allele CA46685576.